The following is an entry in ClinVar:

NM_000088.4(COL1A1):c.3903C>T (p.Tyr1301=)

Gene: COL1A1 (collagen type I alpha 1 chain; minus strand). Cytogenetic location: 17q21.33.
Variant type: single nucleotide variant.
Coding change: c.3903C>T on transcript NM_000088.4 (MANE Select); coding-DNA position 3903, C replaced by T.
Protein change: p.Tyr1301=; no amino-acid change (tyrosine 1301 retained).
Molecular consequence: synonymous variant.
Genome position (GRCh38, 1-based): chr17:50,186,419, G>A on the plus strand (C>T on the coding strand, the complement: COL1A1 is on the minus strand). VCF-style: chr17-50186419-G-A. GRCh37 (hg19) VCF-style: chr17-48263780-G-A.
Identifiers: ClinVar variation 1211447 (VCV001211447.6), dbSNP rs1239012334, ClinGen allele CA500843896.

ClinVar aggregate classification (germline): Likely benign. Review status: criteria provided, multiple submitters, no conflicts (2 of 4 stars). 3 submissions from 3 submitters: Likely benign (3). Last evaluated 2025-03-13.

Conditions:
Osteogenesis imperfecta type I (OI1). Also called: Lobstein disease; OI, TYPE I; OSTEOGENESIS IMPERFECTA TARDA; OSTEOGENESIS IMPERFECTA WITH BLUE SCLERAE; Osteogenesis imperfecta type 1; Lobstein's Disease. Identifiers: Orphanet 216796, Orphanet 666, MedGen C0023931, MONDO:0008146, OMIM 166200. Disease mechanism: loss of function.
Cardiovascular phenotype. Identifiers: MedGen CN230736.

Allele frequency attached by ClinVar (database versions not stated): gnomAD exomes below 0.00001.
gnomAD v4.1: 7 of 1,614,166 alleles (0.00043%); highest among the groups gnomAD compares: East Asian, 0.0022%; no homozygotes.

Submissions (3):

Ambry Genetics
Classification: Likely benign for Cardiovascular phenotype. Last evaluated: 2025-03-13. Review status: criteria provided, single submitter. Criteria: Ambry Variant Classification Scheme 2023. Collection method: clinical testing. Allele origin: germline.

Labcorp Genetics (formerly Invitae), Labcorp
Classification: Likely benign for Osteogenesis imperfecta type I. Last evaluated: 2024-11-21. Review status: criteria provided, single submitter. Criteria: Invitae Variant Classification Sherloc (09022015). Collection method: clinical testing. Allele origin: germline.

GeneDx
Classification: Likely benign. Last evaluated: 2021-04-21. Review status: criteria provided, single submitter. Criteria: GeneDx Variant Classification Process June 2021. Collection method: clinical testing. Allele origin: germline. Affected: yes.
Comment: Has not been previously published as pathogenic or benign to our knowledge